The following is an entry in ClinVar:

ClinVar aggregate classification (germline): Uncertain significance. Review status: criteria provided, multiple submitters, no conflicts (2 of 4 stars). 2 submissions from 2 submitters: Uncertain significance (2). Last evaluated 2025-11-06.

Allele frequency attached by ClinVar (database versions not stated): gnomAD exomes 0.00004; TOPMed 0.00004; gnomAD 0.00005; ExAC 0.00011; ESP Exome Variant Server 0.00015.
gnomAD v4.1: 67 of 1,596,646 alleles (0.0042%); highest among the groups gnomAD compares: Non-Finnish European, 0.0052%; no homozygotes.

Submissions (2):

Ambry Genetics
Classification: Uncertain significance. Last evaluated: 2025-11-06. Review status: criteria provided, single submitter. Criteria: Ambry Variant Classification Scheme 2023. Collection method: clinical testing. Allele origin: germline.

Labcorp Genetics (formerly Invitae), Labcorp
Classification: Uncertain significance. Last evaluated: 2025-09-03. Review status: criteria provided, single submitter. Criteria: Invitae Variant Classification Sherloc (09022015). Collection method: clinical testing. Allele origin: germline.
Comment: This sequence change replaces arginine, which is basic and polar, with histidine, which is basic and polar, at codon 664 of the NLGN2 protein (p.Arg664His). This variant is present in population databases (rs371672267, gnomAD 0.01%). This variant has not been reported in the literature in individuals affected with NLGN2-related conditions. ClinVar contains an entry for this variant (Variation ID: 2459695). Invitae Evidence Modeling of protein sequence and biophysical properties (such as structural, functional, and spatial information, amino acid conservation, physicochemical variation, residue mobility, and thermodynamic stability) indicates that this missense variant is not expected to disrupt NLGN2 protein function with a negative predictive value of 80%. In summary, the available evidence is currently insufficient to determine the role of this variant in disease. Therefore, it has been classified as a Variant of Uncertain Significance.

NM_020795.4(NLGN2):c.1991G>A (p.Arg664His)

Gene: NLGN2 (neuroligin 2; plus strand). Cytogenetic location: 17p13.1.
Variant type: single nucleotide variant.
Coding change: c.1991G>A on transcript NM_020795.4 (MANE Select); coding-DNA position 1991, G replaced by A.
Protein change: p.Arg664His; replaces arginine 664 with histidine.
Molecular consequence: missense variant.
Genome position (GRCh38, 1-based): chr17:7,417,282, G>A. VCF-style: chr17-7417282-G-A. GRCh37 (hg19) VCF-style: chr17-7320601-G-A.
Other names: short protein forms R664H.
Identifiers: ClinVar variation 2459695 (VCV002459695.4), dbSNP rs371672267, ClinGen allele CA8346199.
Genomic context (GRCh38, chr17:7,417,282, plus strand): 5'-CGCCGCCTGCCACCCTGCCTCCCGAGCCCGAGCCCGAGCCCGGCCCAAGGGCCTATGACC[G>A]CTTCCCCGGGGACTCACGGGACTACTCCACGGAGCTGAGCGTCACCGTGGCCGTGGGTGC-3'
Protein context (NP_065846.1, residues 654-674): EPEPGPRAYD[Arg664His]FPGDSRDYST